The following is an entry in ClinVar:

ClinVar aggregate classification (germline): Uncertain significance. Review status: criteria provided, multiple submitters, no conflicts (2 of 4 stars). 2 submissions from 2 submitters: Uncertain significance (2). Last evaluated 2024-06-17.

Conditions:
Inborn genetic diseases. Identifiers: MedGen C0950123, MeSH D030342.

Allele frequency attached by ClinVar (database versions not stated): ExAC 0.00001; gnomAD exomes 0.00001; TOPMed 0.00001.
gnomAD v4.1: 11 of 1,601,162 alleles (0.00069%); highest among the groups gnomAD compares: African/African-American, 0.0013%; no homozygotes.

Submissions (2):

Ambry Genetics
Classification: Uncertain significance for Inborn genetic diseases. Last evaluated: 2024-06-17. Review status: criteria provided, single submitter. Criteria: Ambry Variant Classification Scheme 2023. Collection method: clinical testing. Allele origin: germline.

Labcorp Genetics (formerly Invitae), Labcorp
Classification: Uncertain significance. Last evaluated: 2022-11-15. Review status: criteria provided, single submitter. Criteria: Invitae Variant Classification Sherloc (09022015). Collection method: clinical testing. Allele origin: germline.
Comment: This sequence change replaces alanine, which is neutral and non-polar, with threonine, which is neutral and polar, at codon 835 of the GPR179 protein (p.Ala835Thr). The frequency data for this variant in the population databases is considered unreliable, as metrics indicate poor data quality at this position in the gnomAD database. This variant has not been reported in the literature in individuals affected with GPR179-related conditions. Algorithms developed to predict the effect of missense changes on protein structure and function output the following: SIFT: "Tolerated"; PolyPhen-2: "Benign"; Align-GVGD: "Class C0". The threonine amino acid residue is found in multiple mammalian species, which suggests that this missense change does not adversely affect protein function. In summary, the available evidence is currently insufficient to determine the role of this variant in disease. Therefore, it has been classified as a Variant of Uncertain Significance.

NM_001004334.4(GPR179):c.2503G>A (p.Ala835Thr)

Gene: GPR179 (G protein-coupled receptor 179; minus strand). Cytogenetic location: 17q12.
Variant type: single nucleotide variant.
Coding change: c.2503G>A on transcript NM_001004334.4 (MANE Select); coding-DNA position 2503, G replaced by A.
Protein change: p.Ala835Thr; replaces alanine 835 with threonine.
Molecular consequence: missense variant.
Genome position (GRCh38, 1-based): chr17:38,331,066, C>T on the plus strand (G>A on the coding strand, the complement: GPR179 is on the minus strand). VCF-style: chr17-38331066-C-T. GRCh37 (hg19) VCF-style: chr17-36486949-C-T.
Other names: c.2503G>A (NM_001004334.2); short protein forms A835T.
Identifiers: ClinVar variation 1938254 (VCV001938254.6), dbSNP rs769049312, ClinGen allele CA290105760.